The following is an entry in ClinVar:

NM_005120.3(MED12):c.2165T>C (p.Leu722Pro)

Gene: MED12 (mediator complex subunit 12; plus strand). Cytogenetic location: Xq13.1.
Variant type: single nucleotide variant.
Coding change: c.2165T>C on transcript NM_005120.3 (MANE Select); coding-DNA position 2165, T replaced by C.
Protein change: p.Leu722Pro; replaces leucine 722 with proline.
Molecular consequence: missense variant.
Genome position (GRCh38, 1-based): chrX:71,125,085, T>C. VCF-style: chrX-71125085-T-C. GRCh37 (hg19) VCF-style: chrX-70344935-T-C.
Other names: short protein forms L722P.
Identifiers: ClinVar variation 3224573 (VCV003224573.1), dbSNP rs1432694421, ClinGen allele CA413511430.
Genomic context (GRCh38, chrX:71,125,085, plus strand): 5'-AGAAGCCAGATGTCGAGAAGGAGGTGAAGCCCCCACCCAAGGAGAAGATTGAAGGGACCC[T>C]TGGGGTTCTTTACGACCAGCCACGACACGTGCAGTACGCCACCCATTTTCCCATCCCCCA-3'
Protein context (NP_005111.2, residues 712-732): PPPKEKIEGT[Leu722Pro]GVLYDQPRHV

ClinVar aggregate classification (germline): Uncertain significance (1 of 4 stars; one submission).

Conditions:
Familial thoracic aortic aneurysm and aortic dissection (TAAD). Also called: Thoracic aortic aneurysms and dissections. Identifiers: Orphanet 91387, MedGen C4707243, MONDO:0019625.

Allele frequency attached by ClinVar (database versions not stated): gnomAD 0.00001.

Submission:

Ambry Genetics
Classification: Uncertain significance for Familial thoracic aortic aneurysm and aortic dissection. Last evaluated: 2023-09-30. Review status: criteria provided, single submitter. Criteria: Ambry Variant Classification Scheme 2023. Collection method: clinical testing. Allele origin: germline.
Comment: The p.L722P variant (also known as c.2165T>C), located in coding exon 15 of the MED12 gene, results from a T to C substitution at nucleotide position 2165. The leucine at codon 722 is replaced by proline, an amino acid with similar properties. Based on data from gnomAD, the C allele has an overall frequency of 0.0046% (1/21583) total alleles studied, with 0 hemizygote(s) observed. The highest observed frequency was 0.0094% (1/10658) of European (non-Finnish) alleles. This amino acid position is conserved. In addition, this alteration is predicted to be tolerated by in silico analysis. Since supporting evidence is limited at this time, the clinical significance of this alteration remains unclear.